The following is an entry in ClinVar:

NM_000395.3(CSF2RB):c.1846G>A (p.Gly616Arg)

Gene: CSF2RB (colony stimulating factor 2 receptor subunit beta; plus strand). Cytogenetic location: 22q12.3.
Variant type: single nucleotide variant.
Coding change: c.1846G>A on transcript NM_000395.3 (MANE Select); coding-DNA position 1846, G replaced by A.
Protein change: p.Gly616Arg; replaces glycine 616 with arginine.
Molecular consequence: missense variant.
Genome position (GRCh38, 1-based): chr22:36,937,654, G>A. VCF-style: chr22-36937654-G-A. GRCh37 (hg19) VCF-style: chr22-37333696-G-A.
Other names: c.1846G>A (NM_000395.2); short protein forms G616R.
Identifiers: ClinVar variation 1406117 (VCV001406117.10), dbSNP rs781027928, ClinGen allele CA10213989.

ClinVar aggregate classification (germline): Uncertain significance. Review status: criteria provided, multiple submitters, no conflicts (2 of 4 stars). 2 submissions from 2 submitters: Uncertain significance (2). Last evaluated 2026-01-18.

Conditions:
Inborn genetic diseases. Identifiers: MedGen C0950123, MeSH D030342.

Allele frequency attached by ClinVar (database versions not stated): gnomAD exomes 0.00003 and 0.00008; TOPMed 0.00005; gnomAD 0.00006 and 0.00007; ExAC 0.00015.
gnomAD v4.1: 62 of 1,555,610 alleles (0.004%); highest among the groups gnomAD compares: Middle Eastern, 0.05%; no homozygotes.

Submissions (2):

Labcorp Genetics (formerly Invitae), Labcorp
Classification: Uncertain significance. Last evaluated: 2026-01-18. Review status: criteria provided, single submitter. Criteria: Invitae Variant Classification Sherloc (09022015). Collection method: clinical testing. Allele origin: germline.
Comment: This sequence change replaces glycine, which is neutral and non-polar, with arginine, which is basic and polar, at codon 616 of the CSF2RB protein (p.Gly616Arg). This variant is present in population databases (rs781027928, gnomAD 0.04%). This variant has not been reported in the literature in individuals affected with CSF2RB-related conditions. ClinVar contains an entry for this variant (Variation ID: 1406117). Invitae Evidence Modeling of protein sequence and biophysical properties (such as structural, functional, and spatial information, amino acid conservation, physicochemical variation, residue mobility, and thermodynamic stability) indicates that this missense variant is not expected to disrupt CSF2RB protein function with a negative predictive value of 80%. Algorithms developed to predict the effect of sequence changes on RNA splicing suggest that this variant may create or strengthen a splice site. In summary, the available evidence is currently insufficient to determine the role of this variant in disease. Therefore, it has been classified as a Variant of Uncertain Significance.

Ambry Genetics
Classification: Uncertain significance for Inborn genetic diseases. Last evaluated: 2024-01-24. Review status: criteria provided, single submitter. Criteria: Ambry Variant Classification Scheme 2023. Collection method: clinical testing. Allele origin: germline.